The following is an entry in ClinVar:

NM_018136.5(ASPM):c.7860G>C (p.Gln2620His)

Gene: ASPM (assembly factor for spindle microtubules; minus strand). Cytogenetic location: 1q31.3.
Variant type: single nucleotide variant.
Coding change: c.7860G>C on transcript NM_018136.5 (MANE Select); coding-DNA position 7860, G replaced by C.
Protein change: p.Gln2620His; replaces glutamine 2620 with histidine.
Molecular consequence: missense variant. On other transcripts: intron variant (1).
Genome position (GRCh38, 1-based): chr1:197,101,391, C>G on the plus strand (G>C on the coding strand, the complement: ASPM is on the minus strand). VCF-style: chr1-197101391-C-G. GRCh37 (hg19) VCF-style: chr1-197070521-C-G.
Other names: p.Q2620H:CAG>CAC; NM_018136.4(ASPM):c.7860G>C(p.Gln2620His); c.4066-5227G>C (NM_001206846.2); short protein forms Q2620H.
Identifiers: ClinVar variation 21609 (VCV000021609.21), dbSNP rs12138336, ClinGen allele CA171263.

ClinVar aggregate classification (germline): Benign. Review status: criteria provided, multiple submitters, no conflicts (2 of 4 stars). 10 submissions from 10 submitters: Benign (9). 1 of the submissions does not count toward it. Last evaluated 2026-02-03.

Conditions:
Microcephaly 5, primary, autosomal recessive (MCPH5). Also called: ASPM Primary Microcephaly. Identifiers: Orphanet 2512, MedGen C1837501, MONDO:0012106, OMIM 608716.

Allele frequency attached by ClinVar (database versions not stated): 1000 Genomes Project 30x 0.02764; 1000 Genomes Project 0.02875; gnomAD exomes 0.06832 and 0.05072; TOPMed 0.04737; gnomAD 0.04856 and 0.04915; ESP Exome Variant Server 0.05052; ExAC 0.05113.
gnomAD v4.1: 106,666 of 1,608,614 alleles (6.6%); highest among the groups gnomAD compares: Non-Finnish European, 7.7%; 4,194 homozygotes.

Submissions (10):

Labcorp Genetics (formerly Invitae), Labcorp
Classification: Benign. Last evaluated: 2026-02-03. Review status: criteria provided, single submitter. Criteria: Invitae Variant Classification Sherloc (09022015). Collection method: clinical testing. Allele origin: germline.

Genome-Nilou Lab
Classification: Benign for Microcephaly 5, primary, autosomal recessive. Last evaluated: 2023-04-11. Review status: criteria provided, single submitter. Criteria: ACMG Guidelines, 2015. Collection method: clinical testing. Allele origin: germline. Affected: no.

SIB Swiss Institute of Bioinformatics
Classification: Benign. Last evaluated: 2018-05-31. Review status: criteria provided, single submitter. Criteria: ACMG Guidelines, 2015. Collection method: curation. Allele origin: unknown.
Comment: This variant is interpreted as a Benign - Stand Alone. The following ACMG Tag(s) were applied: BA1 => Allele frequency is >5% in Exome Sequencing Project, 1000 Genomes Project, or Exome Aggregation Consortium. BP4 => Multiple lines of computational evidence suggest no impact on gene or gene product (conservation, evolutionary, splicing impact, etc.).

Illumina Laboratory Services, Illumina
Classification: Benign for Microcephaly 5, primary, autosomal recessive. Last evaluated: 2018-01-12. Review status: criteria provided, single submitter. Criteria: ICSL Variant Classification Criteria 13 December 2019. Collection method: clinical testing. Allele origin: germline.
Comment: This variant was observed in the ICSL laboratory as part of a predisposition screen in an ostensibly healthy population. It had not been previously curated by ICSL or reported in the Human Gene Mutation Database (HGMD: prior to June 1st, 2018), and was therefore a candidate for classification through an automated scoring system. Utilizing variant allele frequency, disease prevalence and penetrance estimates, and inheritance mode, an automated score was calculated to assess if this variant is too frequent to cause the disease. Based on the score and internal cut-off values, a variant classified as benign is not then subjected to further curation. The score for this variant resulted in a classification of benign for this disease.

Athena Diagnostics
Classification: Benign. Last evaluated: 2017-09-20. Review status: criteria provided, single submitter. Criteria: Athena Diagnostics Criteria. Collection method: clinical testing. Allele origin: germline.

GeneDx
Classification: Benign. Last evaluated: 2014-03-31. Review status: criteria provided, single submitter. Criteria: GeneDx Variant Classification (06012015). Collection method: clinical testing. Allele origin: germline. Affected: yes.
Comment: This variant is considered likely benign or benign based on one or more of the following criteria: it is a conservative change, it occurs at a poorly conserved position in the protein, it is predicted to be benign by multiple in silico algorithms, and/or has population frequency not consistent with disease.

Genetic Services Laboratory, University of Chicago
Classification: Benign. Last evaluated: 2013-02-08. Review status: criteria provided, single submitter. Criteria: ACMG Guidelines, 2007. Collection method: clinical testing. Allele origin: germline. Inheritance: Autosomal recessive inheritance.

Breakthrough Genomics
Classification: Benign. Review status: criteria provided, single submitter. Criteria: ACMG Guidelines, 2015. Collection method: not provided. Allele origin: germline. Inheritance: Autosomal recessive inheritance. Affected: yes.

PreventionGenetics, part of Exact Sciences
Classification: Benign. Review status: criteria provided, single submitter. Criteria: ACMG Guidelines, 2015. Collection method: clinical testing. Allele origin: germline.

GeneReviews
No classification provided. Condition: Microcephaly 5, primary, autosomal recessive. Review status: no classification provided. Collection method: literature only. Allele origin: unknown. Not counted in ClinVar's aggregate classification.

Literature cited by the submitters: PubMed 20301772 (cited by GeneReviews); NCBI Bookshelf NBK9587 (cited by GeneReviews).